The following is an entry in ClinVar:

NM_144670.6(A2ML1):c.2848+130G>C

Gene: A2ML1 (alpha-2-macroglobulin like 1; plus strand). Cytogenetic location: 12p13.31.
Variant type: single nucleotide variant.
Coding change: c.2848+130G>C on transcript NM_144670.6 (MANE Select); 130 bases into the intron after coding-DNA position 2848, G replaced by C.
Molecular consequence: intron variant.
Genome position (GRCh38, 1-based): chr12:8,855,722, G>C. VCF-style: chr12-8855722-G-C. GRCh37 (hg19) VCF-style: chr12-9008318-G-C.
Other names: c.1375+130G>C (NM_001282424.3).
Identifiers: ClinVar variation 561527 (VCV000561527.2), dbSNP rs1468711, ClinGen allele CA13642186.
Genomic context (GRCh38, chr12:8,855,722, plus strand): 5'-CGGGACATACGGACCTATCCGGAGAGTGTAACTAATAACAAGTGATGAAGGAAAAAGAGC[G>C]TATTTTATATAGGAGGGAAATACAGTGTAGGCAACAGTACAGATGGGATTAGACTTGTAC-3'

ClinVar aggregate classification (germline): Benign. Review status: criteria provided, multiple submitters, no conflicts (2 of 4 stars). 2 submissions from 2 submitters: Benign (2). Last evaluated 2018-06-14.

Allele frequency attached by ClinVar (database versions not stated): 1000 Genomes Project 30x 0.50547; 1000 Genomes Project 0.51298; TOPMed 0.44530; gnomAD 0.44706.
gnomAD v4.1: 359,512 of 781,176 alleles (46%); highest among the groups gnomAD compares: East Asian, 78%; 87,527 homozygotes.

Submissions (2):

GeneDx
Classification: Benign. Last evaluated: 2018-06-14. Review status: criteria provided, single submitter. Criteria: GeneDx Variant Classification (06012015). Collection method: clinical testing. Allele origin: germline. Affected: yes.
Comment: This variant is considered likely benign or benign based on one or more of the following criteria: it is a conservative change, it occurs at a poorly conserved position in the protein, it is predicted to be benign by multiple in silico algorithms, and/or has population frequency not consistent with disease.

Breakthrough Genomics
Classification: Benign. Review status: criteria provided, single submitter. Criteria: ACMG Guidelines, 2015. Collection method: not provided. Allele origin: germline. Inheritance: Autosomal dominant inheritance. Affected: yes.